The following is an entry in ClinVar:

ClinVar aggregate classification (germline): Uncertain significance (1 of 4 stars; one submission).

Submission:

Dasa
Classification: Uncertain significance. Last evaluated: 2026-06-11. Review status: criteria provided, single submitter. Criteria: DASA Assertion Criteria. Collection method: clinical testing. Allele origin: germline.
Comment: NM_198241.3(EIF4G1):c.235C>T (p.His79Tyr) is a missense variant that results in the substitution of histidine with tyrosine. This variant is rare in population databases. The currently available literature and clinical evidence are not sufficient to establish a definitive association between this variant and the reported condition. Therefore, this variant is classified as a variant of uncertain significance.

NM_198241.3(EIF4G1):c.235C>T (p.His79Tyr)

Gene: EIF4G1 (eukaryotic translation initiation factor 4 gamma 1; plus strand). Cytogenetic location: 3q27.1.
Variant type: single nucleotide variant.
Coding change: c.235C>T on transcript NM_198241.3 (MANE Select); coding-DNA position 235, C replaced by T.
Protein change: p.His79Tyr; replaces histidine 79 with tyrosine.
Molecular consequence: missense variant. On other transcripts: 5 prime UTR variant (1), intron variant (1).
Genome position (GRCh38, 1-based): chr3:184,317,408, C>T. VCF-style: chr3-184317408-C-T. GRCh37 (hg19) VCF-style: chr3-184035196-C-T.
Other names: c.256C>T, p.His86Tyr (NM_001194946.2, NM_001194947.2); c.115C>T, p.His39Tyr (NM_001291157.2); c.235C>T, p.His79Tyr (NM_182917.4); c.-27C>T (NM_198244.3); c.-168-309C>T (NM_198242.3); short protein forms H39Y, H79Y, H86Y.
Identifiers: ClinVar variation 5020396 (VCV005020396.1).